The following is an entry in ClinVar:

ClinVar aggregate classification (germline): Likely benign. Review status: criteria provided, multiple submitters, no conflicts (2 of 4 stars). 2 submissions from 2 submitters: Likely benign (2). Last evaluated 2026-02-02.

Conditions:
Hereditary diffuse gastric adenocarcinoma (HDGC). Also called: DIFFUSE GASTRIC AND LOBULAR BREAST CANCER SYNDROME. Identifiers: Orphanet 26106, MedGen C1708349, MONDO:0007648, OMIM 137215.

gnomAD v4.1: 2 of 1,613,770 alleles (0.00012%); highest among the groups gnomAD compares: Non-Finnish European, 0.00017%; no homozygotes.

Submissions (2):

Labcorp Genetics (formerly Invitae), Labcorp
Classification: Likely benign for Hereditary diffuse gastric adenocarcinoma. Last evaluated: 2026-02-02. Review status: criteria provided, single submitter. Criteria: Invitae Variant Classification Sherloc (09022015). Collection method: clinical testing. Allele origin: germline.

Myriad Genetics, Inc.
Classification: Likely benign for Hereditary diffuse gastric adenocarcinoma. Last evaluated: 2024-09-13. Review status: criteria provided, single submitter. Criteria: Myriad Autosomal Dominant, Autosomal Recessive and X-Linked Classification Criteria (2023). Collection method: clinical testing. Allele origin: unknown.
Comment: This variant is considered likely benign. This variant is intronic and is not expected to impact mRNA splicing.

NM_004360.5(CDH1):c.687+7A>G

Gene: CDH1 (cadherin 1; plus strand). Cytogenetic location: 16q22.1.
Variant type: single nucleotide variant.
Coding change: c.687+7A>G on transcript NM_004360.5 (MANE Select); 7 bases into the intron after coding-DNA position 687, A replaced by G.
Molecular consequence: intron variant.
Genome position (GRCh38, 1-based): chr16:68,808,855, A>G. VCF-style: chr16-68808855-A-G. GRCh37 (hg19) VCF-style: chr16-68842758-A-G.
Other names: c.-929+7A>G (NM_001317185.2); c.-1133+7A>G (NM_001317186.2); c.687+7A>G (NM_001317184.2).
Identifiers: ClinVar variation 1101405 (VCV001101405.10), dbSNP rs2152130331, ClinGen allele CA2499223652.